The following is an entry in ClinVar:

NM_001378609.3(OTOGL):c.5363A>T (p.Asn1788Ile)

Gene: OTOGL (otogelin like; plus strand). Cytogenetic location: 12q21.31.
Variant type: single nucleotide variant.
Coding change: c.5363A>T on transcript NM_001378609.3 (MANE Select); coding-DNA position 5363, A replaced by T.
Protein change: p.Asn1788Ile; replaces asparagine 1788 with isoleucine.
Molecular consequence: missense variant.
Genome position (GRCh38, 1-based): chr12:80,352,392, A>T. VCF-style: chr12-80352392-A-T. GRCh37 (hg19) VCF-style: chr12-80746172-A-T.
Other names: c.5228A>T, p.Asn1743Ile (NM_001368062.3); c.5363A>T, p.Asn1788Ile (NM_001378610.3, NM_173591.7); short protein forms N1788I, N1743I.
Identifiers: ClinVar variation 1372812 (VCV001372812.6), dbSNP rs1245431024, ClinGen allele CA385885197.

ClinVar aggregate classification (germline): Uncertain significance (1 of 4 stars; one submission).

Allele frequency attached by ClinVar (database versions not stated): gnomAD exomes 0.00001.
gnomAD v4.1: 3 of 1,612,432 alleles (0.00019%); no homozygotes.

Submission:

Labcorp Genetics (formerly Invitae), Labcorp
Classification: Uncertain significance. Last evaluated: 2022-08-23. Review status: criteria provided, single submitter. Criteria: Invitae Variant Classification Sherloc (09022015). Collection method: clinical testing. Allele origin: germline.
Comment: This sequence change replaces asparagine, which is neutral and polar, with isoleucine, which is neutral and non-polar, at codon 1779 of the OTOGL protein (p.Asn1779Ile). This variant is present in population databases (no rsID available, gnomAD 0.009%). This variant has not been reported in the literature in individuals affected with OTOGL-related conditions. ClinVar contains an entry for this variant (Variation ID: 1372812). Algorithms developed to predict the effect of missense changes on protein structure and function are either unavailable or do not agree on the potential impact of this missense change (SIFT: "Tolerated"; PolyPhen-2: "Possibly Damaging"; Align-GVGD: "Class C0"). In summary, the available evidence is currently insufficient to determine the role of this variant in disease. Therefore, it has been classified as a Variant of Uncertain Significance.